The following is an entry in ClinVar:

NM_013275.6(ANKRD11):c.5110C>A (p.Pro1704Thr)

Gene: ANKRD11 (ankyrin repeat domain containing 11; minus strand). Cytogenetic location: 16q24.3.
Variant type: single nucleotide variant.
Coding change: c.5110C>A on transcript NM_013275.6 (MANE Select); coding-DNA position 5110, C replaced by A.
Protein change: p.Pro1704Thr; replaces proline 1704 with threonine.
Molecular consequence: missense variant.
Genome position (GRCh38, 1-based): chr16:89,281,432, G>T on the plus strand (C>A on the coding strand, the complement: ANKRD11 is on the minus strand). VCF-style: chr16-89281432-G-T. GRCh37 (hg19) VCF-style: chr16-89347840-G-T.
Other names: c.5110C>A, p.Pro1704Thr (NM_001256182.2, NM_001256183.2); short protein forms P1704T.
Identifiers: ClinVar variation 1334545 (VCV001334545.4), dbSNP rs1567565765, ClinGen allele CA397155588.

ClinVar aggregate classification (germline): Uncertain significance (1 of 4 stars; one submission).

gnomAD v4.1: 1 of 1,612,936 alleles (0.000062%); highest among the groups gnomAD compares: African/African-American, 0.0013%; no homozygotes.

Submission:

Greenwood Genetic Center Diagnostic Laboratories, Greenwood Genetic Center
Classification: Uncertain significance. Last evaluated: 2021-09-03. Review status: criteria provided, single submitter. Criteria: ACMG Guidelines, 2015. Collection method: clinical testing. Allele origin: germline. Affected: yes.
Comment: PM2